The following is an entry in ClinVar:

NM_001015877.2(PHF6):c.363A>G (p.Gln121=)

Gene: PHF6 (PHD finger protein 6; plus strand). Cytogenetic location: Xq26.2.
Variant type: single nucleotide variant.
Coding change: c.363A>G on transcript NM_001015877.2 (MANE Select); coding-DNA position 363, A replaced by G.
Protein change: p.Gln121=; no amino-acid change (glutamine 121 retained).
Molecular consequence: synonymous variant.
Genome position (GRCh38, 1-based): chrX:134,393,623, A>G. VCF-style: chrX-134393623-A-G. GRCh37 (hg19) VCF-style: chrX-133527653-A-G.
Other names: c.363A>G, p.Gln121= (NM_032335.3, NM_032458.3).
Identifiers: ClinVar variation 4995248 (VCV004995248.1).
Genomic context (GRCh38, chrX:134,393,623, plus strand): 5'-GACATACCACTACCACTGTGCATTGCATGATAAAGCTCAAATACGAGAGAAACCTTCACA[A>G]GGAATTTACATGTAATTATTTAACTTCTCTTTAAGTTTTTTTTTTAACAATAATACTTTC-3'
Protein context (NP_001015877.1, residues 111-131): DKAQIREKPS[Gln121=]GIYMVYCRKH

ClinVar aggregate classification (germline): Likely benign (1 of 4 stars; one submission).

Conditions:
PHF6-related disorder. Also called: PHF6-related condition.

gnomAD v4.1: 3 of 1,201,751 alleles (0.00025%); highest among the groups gnomAD compares: Non-Finnish European, 0.00034%; no homozygotes.

Submission:

PreventionGenetics, part of Exact Sciences
Classification: Likely benign for PHF6-related condition. Last evaluated: 2026-03-29. Review status: criteria provided, single submitter. Criteria: ACMG Guidelines, 2015. Collection method: clinical testing. Allele origin: germline.
Comment: This variant is classified as likely benign based on ACMG/AMP sequence variant interpretation guidelines (Richards et al. 2015 PMID: 25741868, with internal and published modifications).